The following is an entry in ClinVar:

NM_001379286.1(ZNF423):c.1196T>C (p.Leu399Pro)

Gene: ZNF423 (zinc finger protein 423; minus strand). Cytogenetic location: 16q12.1.
Variant type: single nucleotide variant.
Coding change: c.1196T>C on transcript NM_001379286.1 (MANE Select); coding-DNA position 1196, T replaced by C.
Protein change: p.Leu399Pro; replaces leucine 399 with proline.
Molecular consequence: missense variant.
Genome position (GRCh38, 1-based): chr16:49,637,980, A>G on the plus strand (T>C on the coding strand, the complement: ZNF423 is on the minus strand). VCF-style: chr16-49637980-A-G. GRCh37 (hg19) VCF-style: chr16-49671891-A-G.
Other names: c.992T>C, p.Leu331Pro (NM_001271620.2); c.821T>C, p.Leu274Pro (NM_001330533.2); c.1172T>C, p.Leu391Pro (NM_015069.5); short protein forms L391P, L399P, L274P, L331P.
Identifiers: ClinVar variation 945490 (VCV000945490.1), dbSNP rs1972807631, ClinGen allele CA395850126.
Genomic context (GRCh38, chr16:49,637,980, plus strand): 5'-CAGCTATAGACCACCTTGGTCCAGCCCTGCCCGTCATCCCGCATCTTCTTCTGCCCCCGC[A>G]GCGGCTTCAAGGTGGAGTCCGGGGTGGAGCCACGCTCCACAGAGGCGCTGGAGTCGGGTG-3'
Protein context (NP_001366215.1, residues 389-409): GSTPDSTLKP[Leu399Pro]RGQKKMRDDG

ClinVar aggregate classification (germline): Uncertain significance (1 of 4 stars; one submission).

Conditions:
Nephronophthisis 14 (NPHP14). Identifiers: Orphanet 2318, MedGen C3539071, MONDO:0013916, OMIM 614844.

Allele frequency attached by ClinVar (database versions not stated): TOPMed below 0.00001.
gnomAD v4.1: 5 of 1,614,076 alleles (0.00031%); highest among the groups gnomAD compares: Non-Finnish European, 0.00042%; no homozygotes.

Submission:

Labcorp Genetics (formerly Invitae), Labcorp
Classification: Uncertain significance for Nephronophthisis 14. Last evaluated: 2019-04-04. Review status: criteria provided, single submitter. Criteria: Invitae Variant Classification Sherloc (09022015). Collection method: clinical testing. Allele origin: germline.
Comment: This sequence change replaces leucine with proline at codon 391 of the ZNF423 protein (p.Leu391Pro). The leucine residue is moderately conserved and there is a moderate physicochemical difference between leucine and proline. This variant is not present in population databases (ExAC no frequency). This variant has not been reported in the literature in individuals with ZNF423-related conditions. Algorithms developed to predict the effect of missense changes on protein structure and function are either unavailable or do not agree on the potential impact of this missense change (SIFT: "Deleterious"; PolyPhen-2: "Benign"; Align-GVGD: "Class C0"). In summary, the available evidence is currently insufficient to determine the role of this variant in disease. Therefore, it has been classified as a Variant of Uncertain Significance.